The following is an entry in ClinVar:

NM_033380.3:c.(?_c.-120)_(c.81+1_82-1)del

Gene: COL4A5 (collagen type IV alpha 5 chain; plus strand).
Variant type: Deletion.
Other names: c.(?_c.-120)_(c.81+1_82-1)del (NM_033380.3).
Identifiers: ClinVar variation 5041995 (VCV005041995.1).

ClinVar aggregate classification (germline): Pathogenic (1 of 4 stars; one submission).

Conditions:
X-linked Alport syndrome (ATS1). Also called: NEPHROPATHY AND DEAFNESS, X-LINKED; COL4A5-Related Nephropathy. Identifiers: Orphanet 63, Orphanet 88917, MedGen C4746986, MONDO:0010520, OMIM 301050.

Submission:

Centre de Génétique Humaine, Institut de Pathologie Et de Génétique
Classification: Pathogenic for X-linked Alport syndrome. Last evaluated: 2026-06-10. Review status: criteria provided, single submitter. Criteria: ACMG Guidelines, 2015. Collection method: clinical testing. Allele origin: germline, maternal. Inheritance: X-linked dominant inheritance. Affected: yes. Observed: 2 variant alleles, 2 heterozygotes. Clinical features observed: Microscopic hematuria (HP:0002907), Moderate albuminuria (HP:0012594), Thin glomerular basement membrane (HP:0012577). Segregation with disease observed.
Comment: Deletion of exon 1 of COL4A5 gene and exons 1 and 2 of COL4A6 gene, which overlap of an established HI region (2A: 1), CNV segregates with a consistent phenotype observed in the patient’s family (5D:0,15)